The following is an entry in ClinVar:

ClinVar aggregate classification (germline): Uncertain significance. Review status: criteria provided, multiple submitters, no conflicts (2 of 4 stars). 2 submissions from 2 submitters: Uncertain significance (2). Last evaluated 2022-12-16.

Conditions:
Myofibrillar myopathy 5. Also called: Filaminopathy (type); FILAMINOPATHY, AUTOSOMAL DOMINANT. Identifiers: Orphanet 171445, MedGen C1836050, MONDO:0012289, OMIM 609524.
Distal myopathy with posterior leg and anterior hand involvement. Also called: WILLIAMS DISTAL MYOPATHY. Identifiers: Orphanet 63273, MedGen C3279722, MONDO:0013550, OMIM 614065.
Hypertrophic cardiomyopathy 26. Also called: Cardiomyopathy, familial hypertrophic, 26. Identifiers: Orphanet 75249, MedGen C4310749, MONDO:0014883, OMIM 617047.

gnomAD v4.1: 1 of 1,613,758 alleles (0.000062%); highest among the groups gnomAD compares: Non-Finnish European, 0.000085%; no homozygotes.

Submissions (2):

Labcorp Genetics (formerly Invitae), Labcorp
Classification: Uncertain significance for Distal myopathy with posterior leg and anterior hand involvement; Myofibrillar myopathy 5; Hypertrophic cardiomyopathy 26. Last evaluated: 2022-12-16. Review status: criteria provided, single submitter. Criteria: Invitae Variant Classification Sherloc (09022015). Collection method: clinical testing. Allele origin: germline.
Comment: In summary, the available evidence is currently insufficient to determine the role of this variant in disease. Therefore, it has been classified as a Variant of Uncertain Significance. Advanced modeling of protein sequence and biophysical properties (such as structural, functional, and spatial information, amino acid conservation, physicochemical variation, residue mobility, and thermodynamic stability) has been performed at Invitae for this missense variant, however the output from this modeling did not meet the statistical confidence thresholds required to predict the impact of this variant on FLNC protein function. ClinVar contains an entry for this variant (Variation ID: 1300453). This variant has not been reported in the literature in individuals affected with FLNC-related conditions. This variant is not present in population databases (gnomAD no frequency). This sequence change replaces proline, which is neutral and non-polar, with arginine, which is basic and polar, at codon 1031 of the FLNC protein (p.Pro1031Arg).

GeneDx
Classification: Uncertain significance. Last evaluated: 2021-03-30. Review status: criteria provided, single submitter. Criteria: GeneDx Variant Classification Process June 2021. Collection method: clinical testing. Allele origin: germline. Affected: yes.
Comment: Has not been previously published as pathogenic or benign to our knowledge; Not observed in large population cohorts (Lek et al., 2016); In silico analysis supports that this missense variant does not alter protein structure/function

NM_001458.5(FLNC):c.3092C>G (p.Pro1031Arg)

Gene: FLNC (filamin C; plus strand). Cytogenetic location: 7q32.1.
Variant type: single nucleotide variant.
Coding change: c.3092C>G on transcript NM_001458.5 (MANE Select); coding-DNA position 3092, C replaced by G.
Protein change: p.Pro1031Arg; replaces proline 1031 with arginine.
Molecular consequence: missense variant.
Genome position (GRCh38, 1-based): chr7:128,844,166, C>G. VCF-style: chr7-128844166-C-G. GRCh37 (hg19) VCF-style: chr7-128484220-C-G.
Other names: c.3092C>G, p.Pro1031Arg (NM_001127487.2); short protein forms P1031R.
Identifiers: ClinVar variation 1300453 (VCV001300453.6), dbSNP rs372467579, ClinGen allele CA369194294.